The following is an entry in ClinVar:

NM_080680.3(COL11A2):c.2268+1G>C

Gene: COL11A2 (collagen type XI alpha 2 chain; minus strand). Cytogenetic location: 6p21.32.
Variant type: single nucleotide variant.
Coding change: c.2268+1G>C on transcript NM_080680.3 (MANE Select); the canonical splice donor site of the intron after coding-DNA position 2268, G replaced by C.
Molecular consequence: splice donor variant.
Genome position (GRCh38, 1-based): chr6:33,176,015, C>G on the plus strand (G>C on the coding strand, the complement: COL11A2 is on the minus strand). VCF-style: chr6-33176015-C-G. GRCh37 (hg19) VCF-style: chr6-33143792-C-G.
Other names: c.1242+1G>C (NM_001424111.1, NM_001424110.1); c.1947+1G>C (NM_080679.3); c.2010+1G>C (NM_080681.3); c.2088+1G>C (NM_001424108.1); c.1422+1G>C (NM_001424109.1); c.222+1G>C (NM_001424112.1).
Identifiers: ClinVar variation 2700433 (VCV002700433.3), dbSNP rs797044915, ClinGen allele CA363648091.

ClinVar aggregate classification (germline): Likely pathogenic (1 of 4 stars; one submission).

Submission:

Labcorp Genetics (formerly Invitae), Labcorp
Classification: Likely pathogenic. Last evaluated: 2024-02-05. Review status: criteria provided, single submitter. Criteria: Invitae Variant Classification Sherloc (09022015). Collection method: clinical testing. Allele origin: germline.
Comment: This sequence change affects a donor splice site in intron 29 of the COL11A2 gene. It is expected to disrupt RNA splicing. Variants that disrupt the donor or acceptor splice site typically lead to a loss of protein function (PMID: 16199547), and loss-of-function variants in COL11A2 are known to be pathogenic (PMID: 10677296, 21204229). This variant is not present in population databases (gnomAD no frequency). This variant has not been observed in the literature in individuals with autosomal recessive COL11A2-related conditions. This variant has been reported in individual(s) with clinical features of autosomal dominant deafness (Invitae); however, the role of the variant in this condition is currently unclear. Algorithms developed to predict the effect of sequence changes on RNA splicing suggest that this variant may disrupt the consensus splice site. In summary, the currently available evidence indicates that the variant is pathogenic, but additional data are needed to prove that conclusively. Therefore, this variant has been classified as Likely Pathogenic.

Literature cited by the submitters: PubMed 16199547; PubMed 10677296; PubMed 21204229.